The following is an entry in ClinVar:

NM_001904.4(CTNNB1):c.176C>T (p.Thr59Ile)

Genes: CTNNB1 (catenin beta 1; plus strand), LOC126806658 (BRD4-independent group 4 enhancer GRCh37_chr3:41265899-41267098; plus strand). Cytogenetic location: 3p22.1.
Variant type: single nucleotide variant.
Coding change: c.176C>T on transcript NM_001904.4 (MANE Select); coding-DNA position 176, C replaced by T.
Protein change: p.Thr59Ile; replaces threonine 59 with isoleucine.
Molecular consequence: missense variant.
Genome position (GRCh38, 1-based): chr3:41,224,688, C>T. VCF-style: chr3-41224688-C-T. GRCh37 (hg19) VCF-style: chr3-41266179-C-T.
Other names: c.176C>T, p.Thr59Ile (NM_001098209.2, NM_001098210.2); c.155C>T, p.Thr52Ile (NM_001330729.2); short protein forms T52I, T59I.
Identifiers: ClinVar variation 2579504 (VCV002579504.2), dbSNP rs2125617943, ClinGen allele CA352228650.

ClinVar aggregate classification (germline): Uncertain significance (1 of 4 stars; one submission).

Submission:

GeneDx
Classification: Uncertain significance. Last evaluated: 2023-10-17. Review status: criteria provided, single submitter. Criteria: GeneDx Variant Classification Process June 2021. Collection method: clinical testing. Allele origin: germline. Affected: yes.
Comment: Not observed at significant frequency in large population cohorts (gnomAD); In silico analysis supports that this missense variant has a deleterious effect on protein structure/function; Has not been previously published as pathogenic or benign to our knowledge